The following is an entry in ClinVar:

NM_014915.3(ANKRD26):c.4046A>T (p.Glu1349Val)

Gene: ANKRD26 (ankyrin repeat domain containing 26; minus strand). Cytogenetic location: 10p12.1.
Variant type: single nucleotide variant.
Coding change: c.4046A>T on transcript NM_014915.3 (MANE Select); coding-DNA position 4046, A replaced by T.
Protein change: p.Glu1349Val; replaces glutamic acid 1349 with valine.
Molecular consequence: missense variant.
Genome position (GRCh38, 1-based): chr10:27,024,486, T>A on the plus strand (A>T on the coding strand, the complement: ANKRD26 is on the minus strand). VCF-style: chr10-27024486-T-A. GRCh37 (hg19) VCF-style: chr10-27313415-T-A.
Other names: c.4043A>T, p.Glu1348Val (NM_001256053.2); short protein forms E1349V, E1348V.
Identifiers: ClinVar variation 3870341 (VCV003870341.1).

ClinVar aggregate classification (germline): Uncertain significance (1 of 4 stars; one submission).

Conditions:
Inborn genetic diseases. Identifiers: MedGen C0950123, MeSH D030342.

Submission:

Ambry Genetics
Classification: Uncertain significance for Inborn genetic diseases. Last evaluated: 2025-01-13. Review status: criteria provided, single submitter. Criteria: Ambry Variant Classification Scheme 2023. Collection method: clinical testing. Allele origin: germline.
Comment: The p.E1349V variant (also known as c.4046A>T), located in coding exon 28 of the ANKRD26 gene, results from an A to T substitution at nucleotide position 4046. The glutamic acid at codon 1349 is replaced by valine, an amino acid with dissimilar properties. This amino acid position is conserved. In addition, the in silico prediction for this alteration is inconclusive. Based on the available evidence, the clinical significance of this variant remains unclear.